The following is an entry in ClinVar:

ClinVar aggregate classification (germline): Uncertain significance (1 of 4 stars; one submission).

gnomAD v4.1: 1 of 1,614,196 alleles (0.000062%); highest among the groups gnomAD compares: Non-Finnish European, 0.000085%; no homozygotes.

Submission:

Ambry Genetics
Classification: Uncertain significance. Last evaluated: 2025-11-23. Review status: criteria provided, single submitter. Criteria: Ambry Variant Classification Scheme 2023. Collection method: clinical testing. Allele origin: germline.
Comment: The p.E506D variant (also known as c.1518A>C), located in coding exon 1 of the MLH3 gene, results from an A to C substitution at nucleotide position 1518. The glutamic acid at codon 506 is replaced by aspartic acid, an amino acid with highly similar properties. This amino acid position is conserved. In addition, this alteration is predicted to be tolerated by in silico analysis. Based on the available evidence, the clinical significance of this variant remains unclear.

NM_001040108.2(MLH3):c.1518A>C (p.Glu506Asp)

Gene: MLH3 (mutL homolog 3; minus strand). Cytogenetic location: 14q24.3.
Variant type: single nucleotide variant.
Coding change: c.1518A>C on transcript NM_001040108.2 (MANE Select); coding-DNA position 1518, A replaced by C.
Protein change: p.Glu506Asp; replaces glutamic acid 506 with aspartic acid.
Molecular consequence: missense variant.
Genome position (GRCh38, 1-based): chr14:75,048,138, T>G on the plus strand (A>C on the coding strand, the complement: MLH3 is on the minus strand). VCF-style: chr14-75048138-T-G. GRCh37 (hg19) VCF-style: chr14-75514841-T-G.
Other names: c.1518A>C, p.Glu506Asp (NM_014381.3); short protein forms E506D.
Identifiers: ClinVar variation 4552126 (VCV004552126.1).